The following is an entry in ClinVar:

ClinVar aggregate classification (germline): Uncertain significance (1 of 4 stars; one submission).

gnomAD v4.1: 3 of 1,613,554 alleles (0.00019%); highest among the groups gnomAD compares: African/African-American, 0.0013%; no homozygotes.

Submission:

Labcorp Genetics (formerly Invitae), Labcorp
Classification: Uncertain significance. Last evaluated: 2024-09-08. Review status: criteria provided, single submitter. Criteria: Invitae Variant Classification Sherloc (09022015). Collection method: clinical testing. Allele origin: germline.
Comment: This sequence change replaces isoleucine, which is neutral and non-polar, with threonine, which is neutral and polar, at codon 148 of the IL21 protein (p.Ile148Thr). This variant is present in population databases (rs781645316, gnomAD 0.003%). This variant has not been reported in the literature in individuals affected with IL21-related conditions. An algorithm developed to predict the effect of missense changes on protein structure and function (PolyPhen-2) suggests that this variant is likely to be disruptive. In summary, the available evidence is currently insufficient to determine the role of this variant in disease. Therefore, it has been classified as a Variant of Uncertain Significance.

NM_021803.4(IL21):c.443T>C (p.Ile148Thr)

Gene: IL21 (interleukin 21; minus strand). Cytogenetic location: 4q27.
Variant type: single nucleotide variant.
Coding change: c.443T>C on transcript NM_021803.4 (MANE Select); coding-DNA position 443, T replaced by C.
Protein change: p.Ile148Thr; replaces isoleucine 148 with threonine.
Molecular consequence: missense variant. On other transcripts: 3 prime UTR variant (1).
Genome position (GRCh38, 1-based): chr4:122,612,756, A>G on the plus strand (T>C on the coding strand, the complement: IL21 is on the minus strand). VCF-style: chr4-122612756-A-G. GRCh37 (hg19) VCF-style: chr4-123533911-A-G.
Other names: c.*71T>C (NM_001207006.3); short protein forms I148T.
Identifiers: ClinVar variation 3707273 (VCV003707273.2).